The following is an entry in ClinVar:

NM_001267550.2(TTN):c.86301G>A (p.Lys28767=)

Genes: TTN (titin; minus strand), TTN-AS1 (TTN antisense RNA 1; plus strand). Cytogenetic location: 2q31.2.
Variant type: single nucleotide variant.
Coding change: c.86301G>A on transcript NM_001267550.2 (MANE Select); coding-DNA position 86301, G replaced by A.
Protein change: p.Lys28767=; no amino-acid change (lysine 28767 retained).
Molecular consequence: synonymous variant.
Genome position (GRCh38, 1-based): chr2:178,559,831, C>T on the plus strand (G>A on the coding strand, the complement: TTN is on the minus strand). VCF-style: chr2-178559831-C-T. GRCh37 (hg19) VCF-style: chr2-179424558-C-T.
Other names: p.K27126K:AAG>AAA; p.Lys26199=; c.81378G>A, p.Lys27126= (NM_001256850.1); c.78597G>A, p.Lys26199= (NM_133378.4); c.59106G>A, p.Lys19702= (NM_003319.4); c.59481G>A, p.Lys19827= (NM_133432.3); c.59682G>A, p.Lys19894= (NM_133437.4).
Identifiers: ClinVar variation 47452 (VCV000047452.111), dbSNP rs56310931, ClinGen allele CA283965.

ClinVar aggregate classification (germline): Benign/Likely benign. Review status: criteria provided, multiple submitters, no conflicts (2 of 4 stars). 27 submissions from 20 submitters: Benign (16); Likely benign (6). 5 of the submissions do not count toward it. Last evaluated 2026-09-01.

Conditions:
Autosomal recessive limb-girdle muscular dystrophy type 2J (LGMDR10). Also called: MUSCULAR DYSTROPHY, LIMB-GIRDLE, AUTOSOMAL RECESSIVE 10; Limb-girdle muscular dystrophy, type 2J. Identifiers: Orphanet 140922, MedGen C1837342, MONDO:0012127, OMIM 608807.
Dilated cardiomyopathy 1G (CMD1G). Identifiers: Orphanet 154, MedGen C1858763, MONDO:0011400, OMIM 604145.
Cardiovascular phenotype. Identifiers: MedGen CN230736.
Cardiomyopathy (CMYO). Also called: Cardiomyopathies. Identifiers: Orphanet 167848, MedGen C0878544, MONDO:0004994, HP:0001638. Inheritance: Various modes of inheritance.
Early-onset myopathy with fatal cardiomyopathy (CMYO5). Also called: CONGENITAL MYOPATHY 5 WITH CARDIOMYOPATHY; Salih Myopathy. Identifiers: Orphanet 289377, MedGen C2673677, MONDO:0012714, OMIM 611705. Disease mechanism: loss of function.
Myopathy, myofibrillar, 9, with early respiratory failure (MFM9). Also called: Myopathy, distal, with early respiratory failure, autosomal dominant; Hereditary myopathy with early respiratory failure; EDSTROM MYOPATHY; MYOPATHY, PROXIMAL, WITH EARLY RESPIRATORY MUSCLE INVOLVEMENT. Identifiers: Orphanet 178464, Orphanet 34521, MedGen C1863599, MONDO:0011362, OMIM 603689.
Tibial muscular dystrophy (TMD). Also called: Tibial muscular dystrophy, tardive; Udd Distal Myopathy – Tibial Muscular Dystrophy; UDD MYOPATHY. Identifiers: Orphanet 609, MedGen C1838244, MONDO:0010870, OMIM 600334.

Allele frequency attached by ClinVar (database versions not stated): ESP Exome Variant Server 0.00861; 1000 Genomes Project 30x 0.00359; TOPMed 0.00670; gnomAD 0.00786 and 0.00799; gnomAD exomes 0.00876 and 0.00992; ExAC 0.00892; 1000 Genomes Project 0.00280.
gnomAD v4.1: 15,652 of 1,610,716 alleles (0.97%); highest among the groups gnomAD compares: Non-Finnish European, 1.1%; 109 homozygotes.

Submissions (27):

CeGaT Center for Human Genetics Tuebingen
Classification: Benign. Last evaluated: 2026-09-01. Review status: criteria provided, single submitter. Criteria: CeGaT Center For Human Genetics Tuebingen Variant Classification Criteria Version 2. Collection method: clinical testing. Allele origin: germline. Affected: yes. Observed: 111 variant alleles.
Comment: TTN: BP4, BP7, BS1, BS2

Labcorp Genetics (formerly Invitae), Labcorp
Classification: Benign for Dilated cardiomyopathy 1G; Autosomal recessive limb-girdle muscular dystrophy type 2J. Last evaluated: 2026-02-03. Review status: criteria provided, single submitter. Criteria: Invitae Variant Classification Sherloc (09022015). Collection method: clinical testing. Allele origin: germline.

Molecular Diagnostic Laboratory for Inherited Cardiovascular Disease, Montreal Heart Institute
Classification: Benign. Last evaluated: 2025-04-09. Review status: criteria provided, single submitter. Criteria: ACMG Guidelines, 2015. Collection method: clinical testing. Allele origin: germline. Affected: no.

Blueprint Genetics
Classification: Likely benign. Last evaluated: 2024-11-26. Review status: criteria provided, single submitter. Criteria: ACMG Guidelines, 2015. Collection method: clinical testing. Allele origin: germline.

Athena Diagnostics
Classification: Benign. Last evaluated: 2024-03-07. Review status: criteria provided, single submitter. Criteria: Athena Diagnostics Criteria. Collection method: clinical testing. Allele origin: unknown.

ARUP Laboratories, Molecular Genetics and Genomics, ARUP Laboratories
Classification: Benign. Last evaluated: 2023-10-19. Review status: criteria provided, single submitter. Criteria: ARUP Molecular Germline Variant Investigation Process 2024. Collection method: clinical testing. Allele origin: germline.

Genome-Nilou Lab
Classification: Benign for Autosomal recessive limb-girdle muscular dystrophy type 2J. Last evaluated: 2021-09-10. Review status: criteria provided, single submitter. Criteria: ACMG Guidelines, 2015. Collection method: clinical testing. Allele origin: germline. Affected: no.

Genome-Nilou Lab
Classification: Benign for Myopathy, myofibrillar, 9, with early respiratory failure. Last evaluated: 2021-09-10. Review status: criteria provided, single submitter. Criteria: ACMG Guidelines, 2015. Collection method: clinical testing. Allele origin: germline. Affected: no.

Genome-Nilou Lab
Classification: Benign for Early-onset myopathy with fatal cardiomyopathy. Last evaluated: 2021-09-10. Review status: criteria provided, single submitter. Criteria: ACMG Guidelines, 2015. Collection method: clinical testing. Allele origin: germline. Affected: no.

Genome-Nilou Lab
Classification: Benign for Tibial muscular dystrophy. Last evaluated: 2021-09-10. Review status: criteria provided, single submitter. Criteria: ACMG Guidelines, 2015. Collection method: clinical testing. Allele origin: germline. Affected: no.

Women's Health and Genetics/Laboratory Corporation of America, LabCorp
Classification: Benign. Last evaluated: 2019-08-09. Review status: criteria provided, single submitter. Criteria: LabCorp Variant Classification Summary - May 2015. Collection method: clinical testing. Allele origin: germline.

Illumina Laboratory Services, Illumina
Classification: Likely benign for Dilated cardiomyopathy 1G. Last evaluated: 2018-01-13. Review status: criteria provided, single submitter. Criteria: ICSL Variant Classification Criteria 13 December 2019. Collection method: clinical testing. Allele origin: germline.
Comment: This variant was observed in the ICSL laboratory as part of a predisposition screen in an ostensibly healthy population. It had not been previously curated by ICSL or reported in the Human Gene Mutation Database (HGMD: prior to June 1st, 2018), and was therefore a candidate for classification through an automated scoring system. Utilizing variant allele frequency, disease prevalence and penetrance estimates, and inheritance mode, an automated score was calculated to assess if this variant is too frequent to cause the disease. Based on the score and internal cut-off values, a variant classified as likely benign is not then subjected to further curation. The score for this variant resulted in a classification of likely benign for this disease.

Illumina Laboratory Services, Illumina
Classification: Likely benign for Early-onset myopathy with fatal cardiomyopathy. Last evaluated: 2018-01-13. Review status: criteria provided, single submitter. Criteria: ICSL Variant Classification Criteria 13 December 2019. Collection method: clinical testing. Allele origin: germline.
Comment: the same text as in the submission from Illumina Laboratory Services, Illumina above.

Illumina Laboratory Services, Illumina
Classification: Likely benign for Autosomal recessive limb-girdle muscular dystrophy type 2J. Last evaluated: 2018-01-13. Review status: criteria provided, single submitter. Criteria: ICSL Variant Classification Criteria 13 December 2019. Collection method: clinical testing. Allele origin: germline.
Comment: the same text as in the submission from Illumina Laboratory Services, Illumina above.

Illumina Laboratory Services, Illumina
Classification: Benign for Myopathy, myofibrillar, 9, with early respiratory failure. Last evaluated: 2018-01-13. Review status: criteria provided, single submitter. Criteria: ICSL Variant Classification Criteria 13 December 2019. Collection method: clinical testing. Allele origin: germline.
Comment: This variant was observed in the ICSL laboratory as part of a predisposition screen in an ostensibly healthy population. It had not been previously curated by ICSL or reported in the Human Gene Mutation Database (HGMD: prior to June 1st, 2018), and was therefore a candidate for classification through an automated scoring system. Utilizing variant allele frequency, disease prevalence and penetrance estimates, and inheritance mode, an automated score was calculated to assess if this variant is too frequent to cause the disease. Based on the score and internal cut-off values, a variant classified as benign is not then subjected to further curation. The score for this variant resulted in a classification of benign for this disease.

Illumina Laboratory Services, Illumina
Classification: Benign for Tibial muscular dystrophy. Last evaluated: 2018-01-13. Review status: criteria provided, single submitter. Criteria: ICSL Variant Classification Criteria 13 December 2019. Collection method: clinical testing. Allele origin: germline.
Comment: the same text as in the submission from Illumina Laboratory Services, Illumina above.

Mayo Clinic Laboratories, Mayo Clinic
Classification: Benign. Last evaluated: 2018-01-12. Review status: criteria provided, single submitter. Criteria: ACMG Guidelines, 2015. Collection method: clinical testing. Allele origin: germline. Observed: 38 variant alleles.

CHEO Genetics Diagnostic Laboratory, Children's Hospital of Eastern Ontario
Classification: Benign for Cardiomyopathy. Last evaluated: 2016-05-05. Review status: criteria provided, single submitter. Criteria: ACMG Guidelines, 2015. Collection method: clinical testing. Allele origin: germline. Study: Canadian Open Genetics Repository.

GeneDx
Classification: Benign. Last evaluated: 2012-12-21. Review status: criteria provided, single submitter. Criteria: GeneDx Variant Classification (06012015). Collection method: clinical testing. Allele origin: germline. Affected: yes.
Comment: This variant is considered likely benign or benign based on one or more of the following criteria: it is a conservative change, it occurs at a poorly conserved position in the protein, it is predicted to be benign by multiple in silico algorithms, and/or has population frequency not consistent with disease.

Ambry Genetics
Classification: Likely benign for Cardiovascular phenotype. Last evaluated: 2012-07-29. Review status: criteria provided, single submitter. Criteria: Ambry Autosomal Dominant and X-Linked criteria (10/2015). Collection method: clinical testing. Allele origin: germline. Observed: 1 variant allele.

Laboratory for Molecular Medicine, Mass General Brigham Personalized Medicine
Classification: Benign. Last evaluated: 2012-04-03. Review status: criteria provided, single submitter. Criteria: LMM Criteria. Collection method: clinical testing. Allele origin: germline. Observed: 27 variant alleles.

Breakthrough Genomics
Classification: Likely benign. Review status: criteria provided, single submitter. Criteria: ACMG Guidelines, 2015. Collection method: not provided. Allele origin: germline. Inheritance: Autosomal recessive inheritance. Affected: yes.

Clinical Genetics DNA and cytogenetics Diagnostics Lab, Erasmus MC, Erasmus Medical Center
Classification: Benign. Review status: no assertion criteria provided. Collection method: clinical testing. Allele origin: germline. Affected: yes. Study: VKGL Data-share Consensus. Not counted in ClinVar's aggregate classification.

Clinical Genetics, Academic Medical Center
Classification: Benign. Review status: no assertion criteria provided. Collection method: clinical testing. Allele origin: germline. Affected: yes. Study: VKGL Data-share Consensus. Not counted in ClinVar's aggregate classification.

Diagnostic Laboratory, Department of Genetics, University Medical Center Groningen
Classification: Likely benign. Review status: no assertion criteria provided. Collection method: clinical testing. Allele origin: germline. Affected: yes. Study: VKGL Data-share Consensus. Not counted in ClinVar's aggregate classification.

Joint Genome Diagnostic Labs from Nijmegen and Maastricht, Radboudumc and MUMC+
Classification: Benign. Review status: no assertion criteria provided. Collection method: clinical testing. Allele origin: germline. Affected: yes. Study: VKGL Data-share Consensus. Not counted in ClinVar's aggregate classification.

Laboratory of Diagnostic Genome Analysis, Leiden University Medical Center (LUMC)
Classification: Likely benign. Review status: no assertion criteria provided. Collection method: clinical testing. Allele origin: germline. Affected: yes. Study: VKGL Data-share Consensus. Not counted in ClinVar's aggregate classification.

Literature cited by the submitters: PubMed 17344846 (cited by Athena Diagnostics).